The following is an entry in ClinVar:

ClinVar aggregate classification (germline): Benign (0 of 4 stars; one submission).

Conditions:
DNAH7-related disorder. Also called: DNAH7-related condition.

Allele frequency attached by ClinVar (database versions not stated): 1000 Genomes Project 30x 0.00265; 1000 Genomes Project 0.00280; TOPMed 0.00286; gnomAD 0.00318; ESP Exome Variant Server 0.00324; ExAC 0.00441; gnomAD exomes 0.00520.
gnomAD v4.1: 7,999 of 1,612,886 alleles (0.5%); highest among the groups gnomAD compares: South Asian, 1%; 41 homozygotes.

Submission:

PreventionGenetics, part of Exact Sciences
Classification: Benign for DNAH7-related condition. Last evaluated: 2019-06-11. Review status: no assertion criteria provided. Collection method: clinical testing. Allele origin: germline.
Comment: This variant is classified as benign based on ACMG/AMP sequence variant interpretation guidelines (Richards et al. 2015 PMID: 25741868, with internal and published modifications).

NM_018897.3(DNAH7):c.7493T>C (p.Ile2498Thr)

Gene: DNAH7 (dynein axonemal heavy chain 7; minus strand). Cytogenetic location: 2q32.3.
Variant type: single nucleotide variant.
Coding change: c.7493T>C on transcript NM_018897.3 (MANE Select); coding-DNA position 7493, T replaced by C.
Protein change: p.Ile2498Thr; replaces isoleucine 2498 with threonine.
Molecular consequence: missense variant.
Genome position (GRCh38, 1-based): chr2:195,864,162, A>G on the plus strand (T>C on the coding strand, the complement: DNAH7 is on the minus strand). VCF-style: chr2-195864162-A-G. GRCh37 (hg19) VCF-style: chr2-196728886-A-G.
Other names: short protein forms I2498T.
Identifiers: ClinVar variation 3042054 (VCV003042054.2), dbSNP rs200303203, ClinGen allele CA2034868.